The following is an entry in ClinVar:

NM_001042492.3(NF1):c.1721+46T>A

Gene: NF1 (neurofibromin 1; plus strand). Cytogenetic location: 17q11.2.
Variant type: single nucleotide variant.
Coding change: c.1721+46T>A on transcript NM_001042492.3 (MANE Select); 46 bases into the intron after coding-DNA position 1721, T replaced by A.
Molecular consequence: intron variant. On other transcripts: missense variant (1).
Genome position (GRCh38, 1-based): chr17:31,221,975, T>A. VCF-style: chr17-31221975-T-A. GRCh37 (hg19) VCF-style: chr17-29548993-T-A.
Other names: c.1767T>A, p.Phe589Leu (NM_001128147.3); c.1721+46T>A (NM_000267.4); short protein forms F589L.
Identifiers: ClinVar variation 5025563 (VCV005025563.1).

ClinVar aggregate classification (germline): Uncertain significance (1 of 4 stars; one submission).

Conditions:
Cardiovascular phenotype. Identifiers: MedGen CN230736.
Hereditary cancer-predisposing syndrome. Also called: Neoplastic Syndromes, Hereditary; Tumor predisposition; Hereditary neoplastic syndrome; Hereditary Cancer Syndrome. Identifiers: Orphanet 140162, MedGen C0027672, MeSH D009386, MONDO:0015356.

Submission:

Ambry Genetics
Classification: Uncertain significance for Cardiovascular phenotype; Hereditary cancer-predisposing syndrome. Last evaluated: 2026-07-07. Review status: criteria provided, single submitter. Criteria: Ambry Variant Classification Scheme 2023. Collection method: clinical testing. Allele origin: germline.
Comment: The p.F589L variant (also known as c.1767T>A), located in coding exon 15 of the NF1 gene, results from a T to A substitution at nucleotide position 1767. The phenylalanine at codon 589 is replaced by leucine, an amino acid with highly similar properties. This amino acid position is conserved. In addition, this alteration is predicted to be tolerated by in silico analysis. Based on the available evidence, the clinical significance of this variant remains unclear.